The following is an entry in ClinVar:

ClinVar aggregate classification (germline): Uncertain significance. Review status: criteria provided, multiple submitters, no conflicts (2 of 4 stars). 3 submissions from 3 submitters: Uncertain significance (3). Last evaluated 2023-07-05.

Conditions:
Cardiovascular phenotype. Identifiers: MedGen CN230736.

Submissions (3):

Blueprint Genetics
Classification: Uncertain significance. Last evaluated: 2023-07-05. Review status: criteria provided, single submitter. Criteria: ACMG Guidelines, 2015. Collection method: clinical testing. Allele origin: germline.

Ambry Genetics
Classification: Uncertain significance for Cardiovascular phenotype. Last evaluated: 2022-04-29. Review status: criteria provided, single submitter. Criteria: Ambry Variant Classification Scheme 2023. Collection method: clinical testing. Allele origin: germline.
Comment: The c.821+3G>C intronic variant results from a G to C substitution 3 nucleotides after coding exon 7 in the MYBPC3 gene. This alteration has been reported in a subject with hypertrophic cardiomyopathy (HCM), who also carried a missense alteration in MYH7 (Kassem HSh et al. J Cardiovasc Transl Res, 2013 Feb;6:65-80). This nucleotide position is not well conserved in available vertebrate species. In silico splice site analysis predicts that this alteration will weaken the native splice donor site. Since supporting evidence is limited at this time, the clinical significance of this alteration remains unclear.

Laboratory for Molecular Medicine, Mass General Brigham Personalized Medicine
Classification: Uncertain significance. Last evaluated: 2013-12-05. Review status: criteria provided, single submitter. Criteria: LMM Criteria. Collection method: clinical testing. Allele origin: germline. Observed: 1 variant allele.
Comment: Variant classified as Uncertain Significance - Favor Pathogenic. The 821+3G>C va riant in MYBPC3 has not been previously reported in individuals with cardiomyopa thy. Data from large population studies is insufficient to assess the frequency of this variant. However, another variant at this position, 821+3G>T, has been r eported in 1 individual with HCM and segregated with disease in 1 affected relat ive (Kassem 2013). This variant is located in the 5' splice region. Computationa l tools suggest an impact to splicing, but this information is not predictive en ough to determine pathogenicity conclusively. Although this data supports that t he 821+3G>C variant may be pathogenic, additional studies are needed to fully as sess its clinical significance.

Literature cited by the submitters: PubMed 23233322 (cited by Ambry Genetics and Laboratory for Molecular Medicine, Mass General Brigham Personalized Medicine).

NM_000256.3(MYBPC3):c.821+3G>C

Gene: MYBPC3 (myosin binding protein C3; minus strand). Cytogenetic location: 11p11.2.
Variant type: single nucleotide variant.
Coding change: c.821+3G>C on transcript NM_000256.3 (MANE Select); 3 bases into the intron after coding-DNA position 821, G replaced by C.
Molecular consequence: intron variant.
Genome position (GRCh38, 1-based): chr11:47,347,854, C>G on the plus strand (G>C on the coding strand, the complement: MYBPC3 is on the minus strand). VCF-style: chr11-47347854-C-G. GRCh37 (hg19) VCF-style: chr11-47369405-C-G.
Identifiers: ClinVar variation 164141 (VCV000164141.7), dbSNP rs727503213, ClinGen allele CA015904.